The following is an entry in ClinVar:

NM_000264.5(PTCH1):c.454A>C (p.Met152Leu)

Gene: PTCH1 (patched 1; minus strand). Cytogenetic location: 9q22.32.
Variant type: single nucleotide variant.
Coding change: c.454A>C on transcript NM_000264.5 (MANE Select); coding-DNA position 454, A replaced by C.
Protein change: p.Met152Leu; replaces methionine 152 with leucine.
Molecular consequence: missense variant. On other transcripts: initiator codon variant (4), non-coding transcript variant (1).
Genome position (GRCh38, 1-based): chr9:95,485,815, T>G on the plus strand (A>C on the coding strand, the complement: PTCH1 is on the minus strand). VCF-style: chr9-95485815-T-G. GRCh37 (hg19) VCF-style: chr9-98248097-T-G.
Other names: c.256A>C, p.Met86Leu (NM_001083602.3, NM_001354919.2); c.451A>C, p.Met151Leu (NM_001083603.3); c.1A>C, p.Met1Leu (NM_001083604.3, NM_001083605.3, NM_001083606.3 and 1 more transcripts); c.454A>C, p.Met152Leu (NM_001354918.2); short protein forms M151L, M152L, M1L, M86L.
Identifiers: ClinVar variation 1741401 (VCV001741401.4), dbSNP rs766905791, ClinGen allele CA374117118.
Genomic context (GRCh38, chr9:95,485,815, plus strand): 5'-TGGTCAGGACATTAGCACCTTCTTCTTTAGGGGTCTGTATCATGAGTTGAGGATTAAACA[T>G]AGCCTCTTCTCCAATCTTCTGGCGAGTATAATTTAATTCACGACTTACTCGTCCTCCAAC-3'
Protein context (NP_000255.2, residues 142-162): YTRQKIGEEA[Met152Leu]FNPQLMIQTP

ClinVar aggregate classification (germline): Uncertain significance (1 of 4 stars; one submission).

Conditions:
Hereditary cancer-predisposing syndrome. Also called: Hereditary Cancer Syndrome; Hereditary neoplastic syndrome; Neoplastic Syndromes, Hereditary; Tumor predisposition. Identifiers: Orphanet 140162, MedGen C0027672, MeSH D009386, MONDO:0015356.

Submission:

Ambry Genetics
Classification: Uncertain significance for Hereditary cancer-predisposing syndrome. Last evaluated: 2026-09-02. Review status: criteria provided, single submitter. Criteria: Ambry Variant Classification Scheme 2023. Collection method: clinical testing. Allele origin: germline.
Comment: The p.M152L variant (also known as c.454A>C), located in coding exon 3 of the PTCH1 gene, results from an A to C substitution at nucleotide position 454. The methionine at codon 152 is replaced by leucine, an amino acid with highly similar properties. This amino acid position is highly conserved in available vertebrate species. In addition, this alteration is predicted to be deleterious by in silico analysis. Based on the available evidence, the clinical significance of this variant remains unclear.